The following is an entry in ClinVar:

NM_000136.3(FANCC):c.1161C>T (p.Cys387=)

Genes: AOPEP (aminopeptidase O (putative); plus strand), FANCC (FA complementation group C; minus strand). Cytogenetic location: 9q22.32.
Variant type: single nucleotide variant.
Coding change: c.1161C>T on transcript NM_000136.3 (MANE Select); coding-DNA position 1161, C replaced by T.
Protein change: p.Cys387=; no amino-acid change (cysteine 387 retained).
Molecular consequence: synonymous variant.
Genome position (GRCh38, 1-based): chr9:95,111,631, G>A on the plus strand (C>T on the coding strand, the complement: FANCC is on the minus strand). VCF-style: chr9-95111631-G-A. GRCh37 (hg19) VCF-style: chr9-97873913-G-A.
Other names: c.1161C>T, p.Cys387= (NM_001243743.2, NM_001243744.2).
Identifiers: ClinVar variation 255274 (VCV000255274.34), dbSNP rs548998258, ClinGen allele CA5137426.
Genomic context (GRCh38, chr9:95,111,631, plus strand): 5'-CACCATCTCAGCCCATCCTCCGAAGTGAATGAACAGGAACCAGCTCTCAAAGGGACCTCC[G>A]CAGGACCTGGAACAGAGGCAGAACACATGGCAGTTGACAACCTAAATTCTTCTTCCTTTG-3'
Protein context (NP_000127.2, residues 377-397): EAVEDQTHGS[Cys387=]GGPFESWFLF

ClinVar aggregate classification (germline): Likely benign. Review status: criteria provided, multiple submitters, no conflicts (2 of 4 stars). 8 submissions from 8 submitters: Likely benign (8). Last evaluated 2025-11-25.

Conditions:
Hereditary cancer-predisposing syndrome. Also called: Tumor predisposition; Hereditary Cancer Syndrome; Neoplastic Syndromes, Hereditary; Hereditary neoplastic syndrome. Identifiers: Orphanet 140162, MedGen C0027672, MeSH D009386, MONDO:0015356.
Fanconi anemia complementation group C (FANCC). Also called: FANCC-Related Fanconi Anemia; FANCONI PANCYTOPENIA, TYPE 3; FACC; Fanconi anemia, group C. Identifiers: Orphanet 84, MedGen C3468041, MONDO:0009213, OMIM 227645.
Fanconi anemia (FA). Also called: Fanconi's anemia. Identifiers: Orphanet 84, MedGen C0015625, MeSH D005199, MONDO:0019391.
Fanconi anemia complementation group A (FANCA). Also called: FANCA-Related Fanconi Anemia; Fanconi anemia, group A. Identifiers: Orphanet 84, MedGen C3469521, MONDO:0009215, OMIM 227650.

Allele frequency attached by ClinVar (database versions not stated): ExAC 0.00001; gnomAD 0.00002 and 0.00003; TOPMed 0.00002; gnomAD exomes 0.00003.
gnomAD v4.1: 48 of 1,614,124 alleles (0.003%); highest among the groups gnomAD compares: Middle Eastern, 0.016%; 1 homozygote.

Submissions (8):

Labcorp Genetics (formerly Invitae), Labcorp
Classification: Likely benign for Fanconi anemia. Last evaluated: 2025-11-25. Review status: criteria provided, single submitter. Criteria: Invitae Variant Classification Sherloc (09022015). Collection method: clinical testing. Allele origin: germline.

CeGaT Center for Human Genetics Tuebingen
Classification: Likely benign. Last evaluated: 2024-10-01. Review status: criteria provided, single submitter. Criteria: CeGaT Center For Human Genetics Tuebingen Variant Classification Criteria Version 2. Collection method: clinical testing. Allele origin: germline. Affected: yes. Observed: 1 variant allele.
Comment: FANCC: BP4, BP7

Blueprint Genetics
Classification: Likely benign. Last evaluated: 2024-07-15. Review status: criteria provided, single submitter. Criteria: ACMG Guidelines, 2015. Collection method: clinical testing. Allele origin: germline.

KCCC/NGS Laboratory, Kuwait Cancer Control Center
Classification: Likely benign for Fanconi anemia complementation group C. Last evaluated: 2023-07-07. Review status: criteria provided, single submitter. Criteria: ACMG Guidelines, 2015. Collection method: clinical testing. Allele origin: germline. Affected: yes.

GeneDx
Classification: Likely benign. Last evaluated: 2021-06-14. Review status: criteria provided, single submitter. Criteria: GeneDx Variant Classification Process June 2021. Collection method: clinical testing. Allele origin: germline. Affected: yes.
Comment: This variant is associated with the following publications: (PMID: 24951259)

Mendelics
Classification: Likely benign for Fanconi anemia complementation group A. Last evaluated: 2019-05-28. Review status: criteria provided, single submitter. Criteria: Mendelics Assertion Criteria 2017. Collection method: clinical testing. Allele origin: unknown.

Ambry Genetics
Classification: Likely benign for Hereditary cancer-predisposing syndrome. Last evaluated: 2019-05-13. Review status: criteria provided, single submitter. Criteria: Ambry Variant Classification Scheme 2023. Collection method: clinical testing. Allele origin: germline.

PreventionGenetics, part of Exact Sciences
Classification: Likely benign. Review status: criteria provided, single submitter. Criteria: ACMG Guidelines, 2015. Collection method: clinical testing. Allele origin: germline.